The following is an entry in ClinVar:

ClinVar aggregate classification (germline): Likely pathogenic (1 of 4 stars; one submission).

Conditions:
Autosomal recessive polycystic kidney disease (ARPKD). Also called: AR polycystic kidney disease. Identifiers: Orphanet 731, Orphanet 8378, MedGen C0085548, MeSH D017044, MONDO:0009889.

gnomAD v4.1: 1 of 1,613,910 alleles (0.000062%); highest among the groups gnomAD compares: South Asian, 0.0011%; no homozygotes.

Submission:

Natera, Inc.
Classification: Likely pathogenic for Autosomal recessive polycystic kidney disease. Last evaluated: 2025-03-16. Review status: criteria provided, single submitter. Criteria: Natera Variant Classification Schema (03/2026). Collection method: clinical testing. Allele origin: germline.
Comment: The c.131-2A>G variant in PKHD1 is a canonical splice acceptor site variant predicted to affect pre-mRNA splicing, which may result in an abnormal transcript and altered protein product. This variant is expected to result in nonsense mediated decay, truncation, or a dysfunctional protein product. This variant is rare in the general population with a frequency below the threshold expected for the associated phenotype(s). Given the available evidence, this variant is classified as Likely Pathogenic.

NM_138694.4(PKHD1):c.131-2A>G

Gene: PKHD1 (PKHD1 ciliary IPT domain containing fibrocystin/polyductin; minus strand). Cytogenetic location: 6p12.2.
Variant type: single nucleotide variant.
Coding change: c.131-2A>G on transcript NM_138694.4 (MANE Select); the canonical splice acceptor site of the intron before coding-DNA position 131, A replaced by G.
Molecular consequence: splice acceptor variant.
Genome position (GRCh38, 1-based): chr6:52,082,544, T>C on the plus strand (A>G on the coding strand, the complement: PKHD1 is on the minus strand). VCF-style: chr6-52082544-T-C. GRCh37 (hg19) VCF-style: chr6-51947342-T-C.
Other names: c.131-2A>G (NM_170724.3).
Identifiers: ClinVar variation 4816576 (VCV004816576.2).
Genomic context (GRCh38, chr6:52,082,544, plus strand): 5'-CACCAGGTGTATCTCCAATTGAGAGCCATTGTTGGGGTAAAGAACACCCAACTCCAAACC[T>C]AACACAAGGGAAAGAAATCTCAGGCTGCATAGAATTGTCATTGACACAGGACAGTGTGAA-3'